The following is an entry in ClinVar:

ClinVar aggregate classification (germline): Pathogenic. Review status: criteria provided, multiple submitters, no conflicts (2 of 4 stars). 3 submissions from 3 submitters: Pathogenic (3). Last evaluated 2024-05-30.

Conditions:
Hereditary cancer-predisposing syndrome. Also called: Hereditary Cancer Syndrome; Hereditary neoplastic syndrome; Neoplastic Syndromes, Hereditary; Tumor predisposition. Identifiers: Orphanet 140162, MedGen C0027672, MeSH D009386, MONDO:0015356.
Lynch syndrome 5 (LYNCH5). Also called: Colorectal cancer, hereditary nonpolyposis, type 5; Hereditary non-polyposis colorectal cancer, type 5. Identifiers: Orphanet 144, MedGen C1833477, MONDO:0013710, OMIM 614350. Disease mechanism: loss of function.
Endometrial carcinoma. Also called: Endometrial carcinoma, somatic. Identifiers: MedGen C0476089, MONDO:0002447, OMIM 608089, HP:0012114.

Submissions (3):

Ambry Genetics
Classification: Pathogenic for Hereditary cancer-predisposing syndrome. Last evaluated: 2024-05-30. Review status: criteria provided, single submitter. Criteria: Ambry Variant Classification Scheme 2023. Collection method: clinical testing. Allele origin: germline.
Comment: The c.976_977insTTGCG pathogenic mutation, located in coding exon 4 of the MSH6 gene, results from an insertion of 5 nucleotides at position 976, causing a translational frameshift with a predicted alternate stop codon (p.A326Vfs*14). This variant is considered to be rare based on population cohorts in the Genome Aggregation Database (gnomAD). This alteration is expected to result in loss of function by premature protein truncation or nonsense-mediated mRNA decay. As such, this alteration is interpreted as a disease-causing mutation.

Myriad Genetics, Inc.
Classification: Pathogenic for Lynch syndrome 5. Last evaluated: 2023-08-11. Review status: criteria provided, single submitter. Criteria: Myriad Autosomal Dominant, Autosomal Recessive and X-Linked Classification Criteria (2023). Collection method: clinical testing. Allele origin: unknown.
Comment: This variant is considered pathogenic. This variant creates a frameshift predicted to result in premature protein truncation.

Mendelics
Classification: Pathogenic for Endometrial carcinoma. Last evaluated: 2022-05-04. Review status: criteria provided, single submitter. Criteria: Mendelics Assertion Criteria 2019. Collection method: clinical testing. Allele origin: germline.

NM_000179.3(MSH6):c.976_977insTTGCG (p.Ala326fs)

Gene: MSH6 (mutS homolog 6; plus strand). Cytogenetic location: 2p16.3.
Variant type: Insertion.
Coding change: c.976_977insTTGCG on transcript NM_000179.3 (MANE Select); coding-DNA positions 976 to 977, TTGCG inserted.
Protein change: p.Ala326fs; shifts the reading frame from alanine 326.
Molecular consequence: frameshift variant.
Genome position: GRCh38 VCF-style: chr2-47798958-A-AGTTGC. GRCh37 (hg19) VCF-style: chr2-48026097-A-AGTTGC.
Other names: c.586_587insTTGCG, p.Ala196fs (NM_001281492.2); c.70_71insTTGCG, p.Ala24fs (NM_001281493.2, NM_001281494.2); c.976_977insTTGCG (NM_000179.2); short protein forms A196fs, A24fs, A326fs.
Identifiers: ClinVar variation 1685956 (VCV001685956.3), dbSNP rs2104310469, ClinGen allele CA2573134907.